The following is an entry in ClinVar:

ClinVar aggregate classification (germline): Likely benign (1 of 4 stars; one submission).

Allele frequency attached by ClinVar (database versions not stated): gnomAD 0.00994 and 0.01065; 1000 Genomes Project 0.01138; TOPMed 0.01172; 1000 Genomes Project 30x 0.01202.
gnomAD v4.1: 2,684 of 1,271,906 alleles (0.21%); highest among the groups gnomAD compares: African/African-American, 3.5%; 47 homozygotes.

Submission:

GeneDx
Classification: Likely benign. Last evaluated: 2018-06-14. Review status: criteria provided, single submitter. Criteria: GeneDx Variant Classification (06012015). Collection method: clinical testing. Allele origin: germline. Affected: yes.
Comment: This variant is considered likely benign or benign based on one or more of the following criteria: it is a conservative change, it occurs at a poorly conserved position in the protein, it is predicted to be benign by multiple in silico algorithms, and/or has population frequency not consistent with disease.

NM_002474.3(MYH11):c.3858+113C>T

Gene: MYH11 (myosin heavy chain 11; minus strand). Cytogenetic location: 16p13.11.
Variant type: single nucleotide variant.
Coding change: c.3858+113C>T on transcript NM_002474.3 (MANE Select); 113 bases into the intron after coding-DNA position 3858, C replaced by T.
Molecular consequence: intron variant.
Genome position (GRCh38, 1-based): chr16:15,726,735, G>A on the plus strand (C>T on the coding strand, the complement: MYH11 is on the minus strand). VCF-style: chr16-15726735-G-A. GRCh37 (hg19) VCF-style: chr16-15820592-G-A.
Other names: c.3858+113C>T (NM_022844.3); c.3879+113C>T (NM_001040114.2, NM_001040113.2).
Identifiers: ClinVar variation 676573 (VCV000676573.1), dbSNP rs145688069, ClinGen allele CA278609036.